The following is an entry in ClinVar:

NC_000005.9:g.(?_473494)_(480100_?)dup

Gene: SLC9A3 (solute carrier family 9 member A3). Cytogenetic location: 5p15.33.
Variant type: Duplication.
Identifiers: ClinVar variation 2425026 (VCV002425026.3).

ClinVar aggregate classification (germline): Uncertain significance (1 of 4 stars; one submission).

Submission:

Labcorp Genetics (formerly Invitae), Labcorp
Classification: Uncertain significance. Last evaluated: 2022-08-03. Review status: criteria provided, single submitter. Criteria: Invitae Variant Classification Sherloc (09022015). Collection method: clinical testing. Allele origin: germline.
Comment: This variant results in a copy number gain of the genomic region encompassing exon(s) 10-17 of the SLC9A3 gene. This region includes the termination codon of the gene. This copy number gain extends beyond the assayed region for this gene and therefore may encompass additional genes. As the precise location of this event is unknown, it may be in tandem or it may be located elsewhere in the genome. This variant has not been reported in the literature in individuals affected with SLC9A3-related conditions. Experimental studies and prediction algorithms are not available or were not evaluated, and the functional significance of this variant is currently unknown. In summary, the available evidence is currently insufficient to determine the role of this variant in disease. Therefore, it has been classified as a Variant of Uncertain Significance.